The following is an entry in ClinVar:

NM_194454.3(KRIT1):c.1742_1748dup (p.Ile584fs)

Gene: KRIT1 (KRIT1 ankyrin repeat containing; minus strand). Cytogenetic location: 7q21.2.
Variant type: Duplication.
Coding change: c.1742_1748dup on transcript NM_194454.3 (MANE Select); coding-DNA positions 1742 to 1748, 7 bases duplicated (TAAAATC; older notation c.1742_1748dupTAAAATC).
Protein change: p.Ile584fs; shifts the reading frame from isoleucine 584.
Molecular consequence: frameshift variant.
Genome position (GRCh38, 1-based): chr7:92,213,962-92,213,968, GATTTTA duplicated on the plus strand (TAAAATC on the coding strand, the reverse complement: KRIT1 is on the minus strand); duplicating any 7 consecutive bases within chr7:92,213,962-92,213,974 gives the same sequence; the c. name uses the placement nearest the transcript's 3' end. VCF-style (leftmost placement, unchanged base first): chr7-92213961-G-GGATTTTA. GRCh37 (hg19) VCF-style: chr7-91843275-G-GGATTTTA.
Other names: c.1598_1604dup, p.Ile536fs (NM_001013406.2, NM_001350669.1, NM_001350670.1); c.1028_1034dup, p.Ile346fs (NM_001350671.1); c.1742_1748dup, p.Ile584fs (NM_001350672.1, NM_001350673.1, NM_001350674.1 and 26 more transcripts); c.1742_1748dupTAAAATC (NM_194456.1); short protein forms I346fs, I536fs, I584fs.
Identifiers: ClinVar variation 663252 (VCV000663252.8), dbSNP rs1584800138, ClinGen allele CA915945338.

ClinVar aggregate classification (germline): Pathogenic. Review status: criteria provided, multiple submitters, no conflicts (2 of 4 stars). 2 submissions from 2 submitters: Pathogenic (2). Last evaluated 2018-12-23.

Conditions:
Cerebral cavernous malformation (CCM). Also called: CAVERNOUS ANGIOMA, FAMILIAL; CAVERNOUS ANGIOMATOUS MALFORMATIONS; CEREBRAL CAPILLARY MALFORMATIONS; Cavernous Hemangioma of Brain; Cerebral cavernous malformations; Cerebral cavernous hemangioma (type). Identifiers: Orphanet 221061, MedGen C2919945, MONDO:0000820, OMIM 116860, HP:0033522.

Submissions (2):

Labcorp Genetics (formerly Invitae), Labcorp
Classification: Pathogenic for Cerebral cavernous malformation. Last evaluated: 2018-12-23. Review status: criteria provided, single submitter. Criteria: Invitae Variant Classification Sherloc (09022015). Collection method: clinical testing. Allele origin: germline.
Comment: This sequence change creates a premature translational stop signal (p.Ile584Lysfs*12) in the KRIT1 gene. It is expected to result in an absent or disrupted protein product. For these reasons, this variant has been classified as Pathogenic. Loss-of-function variants in KRIT1 are known to be pathogenic (PMID: 10508515, 11222804, 12404106, 24689081). This variant has not been reported in the literature in individuals with KRIT1-related conditions. This variant is not present in population databases (ExAC no frequency).

GeneDx
Classification: Pathogenic. Last evaluated: 2018-11-30. Review status: criteria provided, single submitter. Criteria: GeneDx Variant Classification (06012015). Collection method: clinical testing. Allele origin: germline. Affected: yes.
Comment: The c.1742_1748dupTAAAATC variant has not been published as a pathogenic variant, nor has it been reported as a benign variant to our knowledge. The variant is not observed in large population cohorts (Lek et al., 2016). It causes a frameshift starting with codon Isoleucine 584, changes this amino acid to a Lysine residue and creates a premature Stop codon at position 12 of the new reading frame, denoted p.Ile584LysfsX12. This variant is predicted to cause loss of normal protein function either through protein truncation or nonsense-mediated mRNA decay. We consider this variant to be pathogenic.

Literature cited by the submitters: PubMed 10508515 (cited by Labcorp Genetics (formerly Invitae), Labcorp); PubMed 11222804 (cited by Labcorp Genetics (formerly Invitae), Labcorp); PubMed 12404106 (cited by Labcorp Genetics (formerly Invitae), Labcorp); PubMed 24689081 (cited by Labcorp Genetics (formerly Invitae), Labcorp).